The following is an entry in ClinVar:

NM_001177693.2(ARHGEF28):c.1636-10T>C

Gene: ARHGEF28 (Rho guanine nucleotide exchange factor 28; plus strand). Cytogenetic location: 5q13.2.
Variant type: single nucleotide variant.
Coding change: c.1636-10T>C on transcript NM_001177693.2 (MANE Select); 10 bases into the intron before coding-DNA position 1636, T replaced by C.
Molecular consequence: intron variant.
Genome position (GRCh38, 1-based): chr5:73,848,966, T>C. VCF-style: chr5-73848966-T-C. GRCh37 (hg19) VCF-style: chr5-73144791-T-C.
Other names: c.1636-10T>C (NM_001080479.3, NM_001388078.1); c.1342-10T>C (NM_001388076.1); c.697-10T>C (NM_001244364.2).
Identifiers: ClinVar variation 3033541 (VCV003033541.2), dbSNP rs1208914611, ClinGen allele CA1555388103.
Genomic context (GRCh38, chr5:73,848,966, plus strand): 5'-TTTGAGGTGGTGAATATATATTTTCAGACCATGTATAAATTTTTAAACACTTTATTATAA[T>C]CTCTTTTAGGAATCACTGCTTTCTGGAGTTCGCTCACGTTCTTATTCTTGCTCATCACCC-3'

ClinVar aggregate classification (germline): Likely benign (0 of 4 stars; one submission).

Conditions:
ARHGEF28-related disorder. Also called: ARHGEF28-related condition.

Submission:

PreventionGenetics, part of Exact Sciences
Classification: Likely benign for ARHGEF28-related condition. Last evaluated: 2019-06-12. Review status: no assertion criteria provided. Collection method: clinical testing. Allele origin: germline.
Comment: This variant is classified as likely benign based on ACMG/AMP sequence variant interpretation guidelines (Richards et al. 2015 PMID: 25741868, with internal and published modifications).